The following is an entry in ClinVar:

NM_031935.3(HMCN1):c.490C>T (p.Gln164Ter)

Gene: HMCN1 (hemicentin 1; plus strand). Cytogenetic location: 1q31.1.
Variant type: single nucleotide variant.
Coding change: c.490C>T on transcript NM_031935.3 (MANE Select); coding-DNA position 490, C replaced by T.
Protein change: p.Gln164Ter; replaces glutamine 164 with a stop codon.
Molecular consequence: nonsense.
Genome position (GRCh38, 1-based): chr1:185,864,620, C>T. VCF-style: chr1-185864620-C-T. GRCh37 (hg19) VCF-style: chr1-185833752-C-T.
Other names: short protein forms Q164*.
Identifiers: ClinVar variation 1924590 (VCV001924590.5), dbSNP rs758888242, ClinGen allele CA343866538.

ClinVar aggregate classification (germline): Uncertain significance (1 of 4 stars; one submission).

Submission:

Labcorp Genetics (formerly Invitae), Labcorp
Classification: Uncertain significance. Last evaluated: 2022-06-20. Review status: criteria provided, single submitter. Criteria: Invitae Variant Classification Sherloc (09022015). Collection method: clinical testing. Allele origin: germline.
Comment: This sequence change creates a premature translational stop signal (p.Gln164*) in the HMCN1 gene. It is expected to result in an absent or disrupted protein product. However, the current clinical and genetic evidence is not sufficient to establish whether loss-of-function variants in HMCN1 cause disease. This variant is present in population databases (no rsID available, gnomAD 0.0009%). This variant has not been reported in the literature in individuals affected with HMCN1-related conditions. In summary, the available evidence is currently insufficient to determine the role of this variant in disease. Therefore, it has been classified as a Variant of Uncertain Significance.